The following is an entry in ClinVar:

NM_004006.3(DMD):c.1015G>T (p.Val339Leu)

Gene: DMD (dystrophin; minus strand). Cytogenetic location: Xp21.1.
Variant type: single nucleotide variant.
Coding change: c.1015G>T on transcript NM_004006.3 (MANE Select); coding-DNA position 1015, G replaced by T.
Protein change: p.Val339Leu; replaces valine 339 with leucine.
Molecular consequence: missense variant.
Genome position (GRCh38, 1-based): chrX:32,645,098, C>A on the plus strand (G>T on the coding strand, the complement: DMD is on the minus strand). VCF-style: chrX-32645098-C-A. GRCh37 (hg19) VCF-style: chrX-32663215-C-A.
Other names: c.991G>T, p.Val331Leu (NM_000109.4); c.1003G>T, p.Val335Leu (NM_004009.3); c.646G>T, p.Val216Leu (NM_004010.3); short protein forms V216L, V331L, V335L, V339L.
Identifiers: ClinVar variation 2010467 (VCV002010467.1), dbSNP rs886044093, ClinGen allele CA412662231.
Genomic context (GRCh38, chrX:32,645,098, plus strand): 5'-CAGCAGAAAGAAGCCACGATAATACTTCTTCTAAAGCTGTTTGATAACGGTCCAGGTTTA[C>A]TTCACTCTCCATCAATGAACTGCCAAATGACTTGTCTTCAGGAGCTTCCAAATGCTGCAC-3'
Protein context (NP_003997.2, residues 329-349): SFGSSLMESE[Val339Leu]NLDRYQTALE

ClinVar aggregate classification (germline): Uncertain significance (1 of 4 stars; one submission).

Conditions:
Duchenne muscular dystrophy (DMD). Also called: MUSCULAR DYSTROPHY, PSEUDOHYPERTROPHIC PROGRESSIVE, DUCHENNE TYPE; Duchenne Muscular Dystrophy (DMD). Identifiers: Orphanet 98896, MedGen C0013264, MONDO:0010679, OMIM 310200.

Submission:

Labcorp Genetics (formerly Invitae), Labcorp
Classification: Uncertain significance for Duchenne muscular dystrophy. Last evaluated: 2022-06-25. Review status: criteria provided, single submitter. Criteria: Invitae Variant Classification Sherloc (09022015). Collection method: clinical testing. Allele origin: germline.
Comment: This sequence change replaces valine, which is neutral and non-polar, with leucine, which is neutral and non-polar, at codon 339 of the DMD protein (p.Val339Leu). This variant is not present in population databases (gnomAD no frequency). This variant has not been reported in the literature in individuals affected with DMD-related conditions. Algorithms developed to predict the effect of missense changes on protein structure and function are either unavailable or do not agree on the potential impact of this missense change (SIFT: "Tolerated"; PolyPhen-2: "Possibly Damaging"; Align-GVGD: "Class C0"). In summary, the available evidence is currently insufficient to determine the role of this variant in disease. Therefore, it has been classified as a Variant of Uncertain Significance.